The following is an entry in ClinVar:

ClinVar aggregate classification (germline): Uncertain significance (1 of 4 stars; one submission).

Allele frequency attached by ClinVar (database versions not stated): ExAC 0.00002; gnomAD 0.00001; TOPMed 0.00001; ESP Exome Variant Server 0.00008.
gnomAD v4.1: 2 of 1,613,878 alleles (0.00012%); highest among the groups gnomAD compares: African/African-American, 0.0027%; no homozygotes.

Submission:

Ambry Genetics
Classification: Uncertain significance. Last evaluated: 2025-10-27. Review status: criteria provided, single submitter. Criteria: Ambry Variant Classification Scheme 2023. Collection method: clinical testing. Allele origin: germline.
Comment: The p.I226V variant (also known as c.676A>G), located in coding exon 6 of the PKP4 gene, results from an A to G substitution at nucleotide position 676. The isoleucine at codon 226 is replaced by valine, an amino acid with highly similar properties. This amino acid position is conserved. In addition, this alteration is predicted to be tolerated by in silico analysis. Since supporting evidence is limited at this time, the clinical significance of this alteration remains unclear.

NM_003628.6(PKP4):c.676A>G (p.Ile226Val)

Gene: PKP4 (plakophilin 4; plus strand). Cytogenetic location: 2q24.1.
Variant type: single nucleotide variant.
Coding change: c.676A>G on transcript NM_003628.6 (MANE Select); coding-DNA position 676, A replaced by G.
Protein change: p.Ile226Val; replaces isoleucine 226 with valine.
Molecular consequence: missense variant. On other transcripts: intron variant (1).
Genome position (GRCh38, 1-based): chr2:158,624,950, A>G. VCF-style: chr2-158624950-A-G. GRCh37 (hg19) VCF-style: chr2-159481462-A-G.
Other names: c.676A>G, p.Ile226Val (NM_001005476.4, NM_001304969.3, NM_001304971.2 and 6 more transcripts); c.670A>G, p.Ile224Val (NM_001377222.1, NM_001377223.1, NM_001377224.1); c.-346-5A>G (NM_001304970.3); short protein forms I224V, I226V.
Identifiers: ClinVar variation 1755328 (VCV001755328.3), dbSNP rs149362186, ClinGen allele CA1920501.
Genomic context (GRCh38, chr2:158,624,950, plus strand): 5'-AATCGGGCCATGAGAAGAGTTAGTTCAGTTCCATCTAGAGCACAGTCTCCTTCTTATGTT[A>G]TCAGCACAGGCGTGTCTCCTTCAAGGGGGTCTCTGAGAACTTCTCTGGGTAGTGGATTTG-3'
Protein context (NP_003619.2, residues 216-236): PSRAQSPSYV[Ile226Val]STGVSPSRGS